The following is an entry in ClinVar:

NM_006885.4(ZFHX3):c.2337GGC[5] (p.Ala784_Asn785insAla)

Gene: ZFHX3 (zinc finger homeobox 3; minus strand). Cytogenetic location: 16q22.3.
Variant type: Microsatellite.
Coding change: c.2337GGC[5] on transcript NM_006885.4 (MANE Select); five copies in a row of the 3-base unit GGC starting at c.2337; the reference has four copies in a row; one copy, 3 bases duplicated.
Protein change: p.Ala784_Asn785insAla.
Molecular consequence: inframe insertion. On other transcripts: intron variant (1).
Genome position (GRCh38, 1-based): chr16:72,957,798-72,957,800, GCC duplicated on the plus strand (GGC on the coding strand, the reverse complement: ZFHX3 is on the minus strand); duplicating any 3 consecutive bases within chr16:72,957,798-72,957,811 gives the same sequence; the position shown is the placement nearest the transcript's 3' end. VCF-style (leftmost placement, unchanged base first): chr16-72957797-T-TGCC. GRCh37 (hg19) VCF-style: chr16-72991696-T-TGCC.
Other names: c.2346_2348dupGGC (NM_006885.3); c.2337GGC[5], p.Ala784_Asn785insAla (NM_001386735.1); c.-23-6844GGC[5] (NM_001164766.2).
Identifiers: ClinVar variation 2646841 (VCV002646841.25), dbSNP rs757316139, ClinGen allele CA8164440.

ClinVar aggregate classification (germline): Likely benign. Review status: criteria provided, single submitter (1 of 4 stars). 2 submissions from 2 submitters: Likely benign (1). 1 of the submissions does not count toward it. Last evaluated 2026-08-01.

Conditions:
ZFHX3-related disorder. Also called: ZFHX3-related condition.

Submissions (2):

CeGaT Center for Human Genetics Tuebingen
Classification: Likely benign. Last evaluated: 2026-08-01. Review status: criteria provided, single submitter. Criteria: CeGaT Center For Human Genetics Tuebingen Variant Classification Criteria Version 2. Collection method: clinical testing. Allele origin: germline. Affected: yes. Observed: 16 variant alleles.
Comment: ZFHX3: BS2

PreventionGenetics, part of Exact Sciences
Classification: Likely benign for ZFHX3-related condition. Last evaluated: 2019-06-06. Review status: no assertion criteria provided. Collection method: clinical testing. Allele origin: germline. Not counted in ClinVar's aggregate classification.
Comment: This variant is classified as likely benign based on ACMG/AMP sequence variant interpretation guidelines (Richards et al. 2015 PMID: 25741868, with internal and published modifications).